The following is an entry in ClinVar:

NM_001048174.2(MUTYH):c.1534G>C (p.Asp512His)

Gene: MUTYH (mutY DNA glycosylase; minus strand). Cytogenetic location: 1p34.1.
Variant type: single nucleotide variant.
Coding change: c.1534G>C on transcript NM_001048174.2 (MANE Select); coding-DNA position 1534, G replaced by C.
Protein change: p.Asp512His; replaces aspartic acid 512 with histidine.
Molecular consequence: missense variant. On other transcripts: non-coding transcript variant (7).
Genome position (GRCh38, 1-based): chr1:45,329,338, C>G on the plus strand (G>C on the coding strand, the complement: MUTYH is on the minus strand). VCF-style: chr1-45329338-C-G. GRCh37 (hg19) VCF-style: chr1-45795010-C-G.
Other names: c.1576G>C, p.Asp526His (NM_001407085.1, NM_001407083.1); c.1537G>C, p.Asp513His (NM_001407086.1, NM_001048172.2, NM_001407071.1 and 1 more transcripts); c.1555G>C, p.Asp519His (NM_001407087.1); c.1534G>C, p.Asp512His (NM_001407088.1, NM_001407089.1, NM_001407081.1 and 6 more transcripts); c.1258G>C, p.Asp420His (NM_001407091.1, NM_001293192.2, NM_001293196.2); c.1609G>C, p.Asp537His (NM_012222.3); c.1189G>C, p.Asp397His (NM_001407082.1, NM_001350650.2, NM_001350651.2); c.1618G>C, p.Asp540His (NM_001128425.2); and 5 more; short protein forms D484H, D537H, D420H, D512H, D519H, D523H, D526H, D527H.
Identifiers: ClinVar variation 4113447 (VCV004113447.1).
Genomic context (GRCh38, chr1:45,329,338, plus strand): 5'-TCTCAGGGAATGGGGGCTTTCAGAGGTGTCACTGGGCTGCACTGTTGAGGCTGTGTGCAT[C>G]AGTGGAGATGTGAGACCGAAAGAAATTATCCAGGACTTGCTGGCCCATGCGGGGCTTTTT-3'
Protein context (NP_001041639.1, residues 502-521): DNFFRSHIST[Asp512His]AHSLNSAAQ

ClinVar aggregate classification (germline): Uncertain significance (1 of 4 stars; one submission).

Conditions:
Hereditary cancer-predisposing syndrome. Also called: Hereditary neoplastic syndrome; Neoplastic Syndromes, Hereditary; Tumor predisposition; Hereditary Cancer Syndrome. Identifiers: Orphanet 140162, MedGen C0027672, MeSH D009386, MONDO:0015356.

Submission:

Ambry Genetics
Classification: Uncertain significance for Hereditary cancer-predisposing syndrome. Last evaluated: 2025-08-27. Review status: criteria provided, single submitter. Criteria: Ambry Variant Classification Scheme 2023. Collection method: clinical testing. Allele origin: germline.
Comment: The p.D540H variant (also known as c.1618G>C), located in coding exon 16 of the MUTYH gene, results from a G to C substitution at nucleotide position 1618. The aspartic acid at codon 540 is replaced by histidine, an amino acid with similar properties. This amino acid position is conserved. In addition, this alteration is predicted to be tolerated by in silico analysis. Based on the available evidence, the clinical significance of this variant remains unclear.